The following continues an entry in ClinVar:

NM_000179.3(MSH6):c.2092C>G (p.Gln698Glu)

Gene: MSH6. ClinVar aggregate classification (germline): Conflicting classifications of pathogenicity. Uncertain significance (13); Likely benign (1).

Submissions 14 to 16 of 16:

Sema4
Classification: Uncertain significance for Hereditary cancer-predisposing syndrome. Last evaluated: 2021-10-27. Review status: criteria provided, single submitter. Criteria: Sema4 Curation Guidelines. Collection method: curation. Allele origin: germline.
Comment: The MSH6 c.2092C>G (p.Q698E) variant has been reported in heterozygosity in at least five individuals with Lynch syndrome-related tumors (PMID: 25133505, 10480359, 18566915, 32635641, 31391288). It has also been reported in 10/60466 breast cancer cases and 4/53461 healthy controls by a large case-control study (PMID: 33471991). This variant was observed in 2/113040 chromosomes in the Non-Finnish European population according to the Genome Aggregation Database (PMID: 32461654), and has been reported in ClinVar (Variation ID: 89251). Functional studies have not been performed, and in silico predictions of the variant's effect on protein function are inconclusive. Based on the current evidence available, this variant is interpreted as a variant of uncertain significance.

Counsyl
Classification: Uncertain significance for Lynch syndrome 5. Last evaluated: 2017-05-02. Review status: no assertion criteria provided. Collection method: clinical testing. Allele origin: unknown. Not counted in ClinVar's aggregate classification.

Department of Pathology and Laboratory Medicine, Sinai Health System
Classification: Uncertain significance. Review status: no assertion criteria provided. Collection method: clinical testing. Allele origin: unknown. Affected: yes. Study: The Canadian Open Genetics Repository (COGR). Not counted in ClinVar's aggregate classification.
Comment: The MSH6 p.Gln698Glu variant was identified in 3 of 2420 proband chromosomes (frequency: 0.001) from French, Danish and Cypriot individuals or families with Lynch Syndrome and was not identified in 100 control chromosomes from healthy individuals (Wang 1999, Nilbert 2009, Loizidou 2014). Using 2 different bioinformatics tools predicting the impact of missense variants in the MSH6 gene, it was found that variant is neutral (Terui 2013, Ali 2012). The variant was also identified in dbSNP (ID: rs63750832) as â€šÃ„ÃºWith Uncertain significance alleleâ€šÃ„Ã¹, in ClinVar (classified as uncertain significance, reviewed by an expert panel (2013); submitters: INSIGHT, Ambry Genetics, Invitae, GeneDx, and Color Genomics Inc.), Clinvitae (4x), Cosmic (1x in a breast carcinoma), UMD-LSDB (1x classified UV), Mismatch Repair Genes Variant Database (1x), and Insight Hereditary Tumors Database (1x). The variant was not identified in the COGR, MutDB, or Zhejiang Colon Cancer Databases. The variant was identified in control databases in 3 of 245362 chromosomes at a frequency of 0.00001 (Genome Aggregation Database Feb 27, 2017). It was observed in the following populations: Latino in 1 of 33568 chromosomes (freq: 0.00003), European Non-Finnish in 2 of 110928 chromosomes (freq: 0.00002), it was not observed in the African, Other, Ashkenazi Jewish, East Asian, European Finnish, and South Asian populations. The p.Gln698Glu residue is not conserved in mammals and four out of five computational analyses (PolyPhen-2, SIFT, AlignGVGD, BLOSUM, MutationTaster) do not suggest a high likelihood of impact to the protein; however, this information is not predictive enough to rule out pathogenicity. The variant occurs outside of the splicing consensus sequence and 2 of 5 in silico or computational prediction software programs (SpliceSiteFinder, MaxEntScan, NNSPLICE, GeneSplicer, HumanSpliceFinder) predict a greater than 10% difference in splicing; this is not very predictive of pathogenicity. In summary, based on the above information the clinical significance of this variant cannot be determined with certainty at this time. This variant is classified as a variant of uncertain significance.

Literature cited by the submitters: PubMed 10480359 (cited by 6 submitters); PubMed 25133505 (cited by 6 submitters); PubMed 32635641 (cited by 5 submitters); PubMed 32830346 (cited by 3 submitters); PubMed 40223084 (cited by Women's Health and Genetics/Laboratory Corporation of America, LabCorp); PubMed 18566915 (cited by 3 submitters); PubMed 31391288 (cited by 4 submitters); PubMed 23621914 (cited by Quest Diagnostics Nichols Institute San Juan Capistrano and Counsyl); PubMed 22290698 (cited by Quest Diagnostics Nichols Institute San Juan Capistrano and Counsyl); PubMed 33471991 (cited by Quest Diagnostics Nichols Institute San Juan Capistrano and Sema4).